The following is an entry in ClinVar:

NM_003664.5(AP3B1):c.2640del (p.Gly881fs)

Gene: AP3B1 (adaptor related protein complex 3 subunit beta 1; minus strand). Cytogenetic location: 5q14.1.
Variant type: Deletion.
Coding change: c.2640del on transcript NM_003664.5 (MANE Select); coding-DNA position 2640, one base deleted (A; older notation c.2640delA).
Protein change: p.Gly881fs; shifts the reading frame from glycine 881.
Molecular consequence: frameshift variant.
Genome position (GRCh38, 1-based): chr5:78,039,212, T deleted on the plus strand (A on the coding strand, the reverse complement: AP3B1 is on the minus strand); the first of 4 consecutive T bases (chr5:78,039,212-78,039,215); deleting any one gives the same sequence. VCF-style (leftmost placement, unchanged base first): chr5-78039211-CT-C. GRCh37 (hg19) VCF-style: chr5-77335035-CT-C.
Other names: c.2493del, p.Gly832fs (NM_001271769.2); short protein forms G832fs, G881fs.
Identifiers: ClinVar variation 2676750 (VCV002676750.4), dbSNP rs2530812497, ClinGen allele CA2695198619.
Genomic context (GRCh38, chr5:78,039,211, plus strand): 5'-AGACCATCTTATCACCAAAAATGCAAGGCTGTCTTGGAAAGAAATAATGGGCAGCTAGTC[CT>C]TTTCCACTCATTCGATGAAGCAGCACGTGAGTTTTCGTTGGTACAAATGCAGGAGTACTG-3'

ClinVar aggregate classification (germline): Pathogenic/Likely pathogenic. Review status: criteria provided, multiple submitters, no conflicts (2 of 4 stars). 2 submissions from 2 submitters: Pathogenic (1); Likely pathogenic (1). Last evaluated 2023-07-07.

Conditions:
Hermansky-Pudlak syndrome 2 (HPS2). Also called: Platelet defects and oculocutaneous albinism. Identifiers: Orphanet 183678, Orphanet 79430, MedGen C1842362, MONDO:0011997, OMIM 608233.

Submissions (2):

Labcorp Genetics (formerly Invitae), Labcorp
Classification: Pathogenic for Hermansky-Pudlak syndrome 2. Last evaluated: 2023-07-07. Review status: criteria provided, single submitter. Criteria: Invitae Variant Classification Sherloc (09022015). Collection method: clinical testing. Allele origin: germline.
Comment: This sequence change creates a premature translational stop signal (p.Gly881Aspfs*2) in the AP3B1 gene. It is expected to result in an absent or disrupted protein product. Loss-of-function variants in AP3B1 are known to be pathogenic (PMID: 16507770, 23403622). This variant is not present in population databases (gnomAD no frequency). This variant has not been reported in the literature in individuals affected with AP3B1-related conditions. For these reasons, this variant has been classified as Pathogenic.

Baylor Genetics
Classification: Likely pathogenic for Hermansky-Pudlak syndrome 2. Last evaluated: 2022-02-21. Review status: criteria provided, single submitter. Criteria: ACMG Guidelines, 2015. Collection method: clinical testing. Allele origin: unknown.

Literature cited by the submitters: PubMed 16507770 (cited by Labcorp Genetics (formerly Invitae), Labcorp); PubMed 23403622 (cited by Labcorp Genetics (formerly Invitae), Labcorp).